The following is an entry in ClinVar:

NM_001195263.2(PDZD7):c.1613G>A (p.Gly538Glu)

Gene: PDZD7 (PDZ domain containing 7; minus strand). Cytogenetic location: 10q24.31.
Variant type: single nucleotide variant.
Coding change: c.1613G>A on transcript NM_001195263.2 (MANE Select); coding-DNA position 1613, G replaced by A.
Protein change: p.Gly538Glu; replaces glycine 538 with glutamic acid.
Molecular consequence: missense variant.
Genome position (GRCh38, 1-based): chr10:101,015,772, C>T on the plus strand (G>A on the coding strand, the complement: PDZD7 is on the minus strand). VCF-style: chr10-101015772-C-T. GRCh37 (hg19) VCF-style: chr10-102775529-C-T.
Other names: short protein forms G538E.
Identifiers: ClinVar variation 44119 (VCV000044119.49), dbSNP rs112571971, ClinGen allele CA133618.

ClinVar aggregate classification (germline): Benign/Likely benign. Review status: criteria provided, multiple submitters, no conflicts (2 of 4 stars). 9 submissions from 9 submitters: Benign (3); Likely benign (5). 1 of the submissions does not count toward it. Last evaluated 2026-09-01.

Conditions:
PDZD7-related disorder. Also called: PDZD7-related disorders; PDZD7-related condition.

Allele frequency attached by ClinVar (database versions not stated): gnomAD exomes 0.00695 and 0.00685; gnomAD 0.00706 and 0.00669; ExAC 0.00165; 1000 Genomes Project 30x 0.00219; 1000 Genomes Project 0.00260; TOPMed 0.00406.
gnomAD v4.1: 10,453 of 1,549,712 alleles (0.67%); highest among the groups gnomAD compares: Non-Finnish European, 0.7%; 63 homozygotes.

Submissions (9):

CeGaT Center for Human Genetics Tuebingen
Classification: Likely benign. Last evaluated: 2026-09-01. Review status: criteria provided, single submitter. Criteria: CeGaT Center For Human Genetics Tuebingen Variant Classification Criteria Version 2. Collection method: clinical testing. Allele origin: germline. Affected: yes. Observed: 12 variant alleles.
Comment: PDZD7: BP4, BS2

Labcorp Genetics (formerly Invitae), Labcorp
Classification: Benign. Last evaluated: 2026-01-24. Review status: criteria provided, single submitter. Criteria: Invitae Variant Classification Sherloc (09022015). Collection method: clinical testing. Allele origin: germline.

Blueprint Genetics
Classification: Likely benign. Last evaluated: 2024-11-27. Review status: criteria provided, single submitter. Criteria: ACMG Guidelines, 2015. Collection method: clinical testing. Allele origin: germline.

Athena Diagnostics
Classification: Benign. Last evaluated: 2019-07-18. Review status: criteria provided, single submitter. Criteria: Athena Diagnostics Criteria. Collection method: clinical testing. Allele origin: germline.

GeneDx
Classification: Benign. Last evaluated: 2019-02-22. Review status: criteria provided, single submitter. Criteria: GeneDx Variant Classification Process June 2021. Collection method: clinical testing. Allele origin: germline. Affected: yes.

Eurofins Ntd Llc (ga)
Classification: Likely benign. Last evaluated: 2015-09-28. Review status: criteria provided, single submitter. Criteria: EGL Classification Definitions 2015. Collection method: clinical testing. Allele origin: germline. Observed: 1 variant allele, 1 heterozygote.

Laboratory for Molecular Medicine, Mass General Brigham Personalized Medicine
Classification: Likely benign. Last evaluated: 2013-02-05. Review status: criteria provided, single submitter. Criteria: LMM Criteria. Collection method: clinical testing. Allele origin: germline. Observed: 7 variant alleles.
Comment: Gly538Glu in Exon 11 of PDZD7: This variant is not expected to have clinical sig nificance because it has been identified in 1.6% (3/186) of Finnish individuals from a broad population by the 1000 Genomes Project (rs112571971).

Breakthrough Genomics
Classification: Likely benign. Review status: criteria provided, single submitter. Criteria: ACMG Guidelines, 2015. Collection method: not provided. Allele origin: germline. Inheritance: Autosomal recessive inheritance. Affected: yes.

PreventionGenetics, part of Exact Sciences
Classification: Benign for PDZD7-related condition. Last evaluated: 2019-11-18. Review status: no assertion criteria provided. Collection method: clinical testing. Allele origin: germline. Not counted in ClinVar's aggregate classification.
Comment: This variant is classified as benign based on ACMG/AMP sequence variant interpretation guidelines (Richards et al. 2015 PMID: 25741868, with internal and published modifications).